The following is an entry in ClinVar:

ClinVar aggregate classification (germline): Uncertain significance (1 of 4 stars; one submission).

Conditions:
Brugada syndrome 5 (BRGDA5). Identifiers: Orphanet 130, Orphanet 871, MedGen C2748541, MONDO:0013015, OMIM 612838.

Submission:

Labcorp Genetics (formerly Invitae), Labcorp
Classification: Uncertain significance for Brugada syndrome 5. Last evaluated: 2025-12-09. Review status: criteria provided, single submitter. Criteria: Invitae Variant Classification Sherloc (09022015). Collection method: clinical testing. Allele origin: germline.
Comment: This sequence change replaces proline, which is neutral and non-polar, with threonine, which is neutral and polar, at codon 220 of the SCN1B protein (p.Pro220Thr). This variant is not present in population databases (gnomAD no frequency). This variant has not been reported in the literature in individuals affected with SCN1B-related conditions. ClinVar contains an entry for this variant (Variation ID: 3011809). An algorithm developed to predict the effect of missense changes on protein structure and function (PolyPhen-2) suggests that this variant is likely to be tolerated. In summary, the available evidence is currently insufficient to determine the role of this variant in disease. Therefore, it has been classified as a Variant of Uncertain Significance.

NM_001037.5(SCN1B):c.448+210C>A

Gene: SCN1B (sodium voltage-gated channel beta subunit 1; plus strand). Cytogenetic location: 19q13.11.
Variant type: single nucleotide variant.
Coding change: c.448+210C>A on transcript NM_001037.5 (MANE Select); 210 bases into the intron after coding-DNA position 448, C replaced by A.
Molecular consequence: intron variant. On other transcripts: missense variant (1).
Genome position (GRCh38, 1-based): chr19:35,033,949, C>A. VCF-style: chr19-35033949-C-A. GRCh37 (hg19) VCF-style: chr19-35524853-C-A.
Other names: c.658C>A, p.Pro220Thr (NM_199037.5); c.349+210C>A (NM_001321605.2); short protein forms P220T.
Identifiers: ClinVar variation 3011809 (VCV003011809.3), dbSNP rs986280203, ClinGen allele CA405329581.